The following is an entry in ClinVar:

NM_015102.5(NPHP4):c.3851G>A (p.Arg1284His)

Gene: NPHP4 (nephrocystin 4; minus strand). Cytogenetic location: 1p36.31.
Variant type: single nucleotide variant.
Coding change: c.3851G>A on transcript NM_015102.5 (MANE Select); coding-DNA position 3851, G replaced by A.
Protein change: p.Arg1284His; replaces arginine 1284 with histidine.
Molecular consequence: missense variant. On other transcripts: non-coding transcript variant (1).
Genome position (GRCh38, 1-based): chr1:5,864,483, C>T on the plus strand (G>A on the coding strand, the complement: NPHP4 is on the minus strand). VCF-style: chr1-5864483-C-T. GRCh37 (hg19) VCF-style: chr1-5924543-C-T.
Other names: p.Arg1284His; c.2312G>A, p.Arg771His (NM_001291593.2); c.2315G>A, p.Arg772His (NM_001291594.2); short protein forms R1284H, R772H, R771H.
Identifiers: ClinVar variation 286996 (VCV000286996.19), dbSNP rs61739637, ClinGen allele CA553438.

ClinVar aggregate classification (germline): Conflicting classifications of pathogenicity. Review status: criteria provided, conflicting classifications (1 of 4 stars). 5 submissions from 5 submitters: Uncertain significance (1); Likely benign (3). 1 of the submissions does not count toward it. Last evaluated 2026-01-09.

Conditions:
NPHP4-related disorder. Also called: NPHP4-related disorders; NPHP4-related condition. Identifiers: MedGen CN239384.
Nephronophthisis. Also called: Juvenile Nephronophthisis. Identifiers: Orphanet 655, MedGen C0687120, MONDO:0019005, HP:0000090.

Allele frequency attached by ClinVar (database versions not stated): gnomAD exomes 0.00013; ExAC 0.00037; ESP Exome Variant Server 0.00049; 1000 Genomes Project 30x 0.00062; gnomAD 0.00062 and 0.00069; TOPMed 0.00064; 1000 Genomes Project 0.00080.
gnomAD v4.1: 176 of 1,595,804 alleles (0.011%); highest among the groups gnomAD compares: African/African-American, 0.2%; 1 homozygote.

Submissions (5):

Labcorp Genetics (formerly Invitae), Labcorp
Classification: Likely benign for Nephronophthisis. Last evaluated: 2026-01-09. Review status: criteria provided, single submitter. Criteria: Invitae Variant Classification Sherloc (09022015). Collection method: clinical testing. Allele origin: germline.

Mayo Clinic Laboratories, Mayo Clinic
Classification: Likely benign. Last evaluated: 2024-12-30. Review status: criteria provided, single submitter. Criteria: ACMG Guidelines, 2015. Collection method: clinical testing. Allele origin: germline. Observed: 2 variant alleles.
Comment: BS1, BP4_moderate

Blueprint Genetics
Classification: Likely benign. Last evaluated: 2024-11-14. Review status: criteria provided, single submitter. Criteria: ACMG Guidelines, 2015. Collection method: clinical testing. Allele origin: germline.

Eurofins Ntd Llc (ga)
Classification: Uncertain significance. Last evaluated: 2018-08-09. Review status: criteria provided, single submitter. Criteria: EGL ClinVar v180209 classification definitions. Collection method: clinical testing. Allele origin: germline. Observed: 2 variant alleles, 2 heterozygotes.

PreventionGenetics, part of Exact Sciences
Classification: Likely benign for NPHP4-related condition. Last evaluated: 2022-03-15. Review status: no assertion criteria provided. Collection method: clinical testing. Allele origin: germline. Not counted in ClinVar's aggregate classification.
Comment: This variant is classified as likely benign based on ACMG/AMP sequence variant interpretation guidelines (Richards et al. 2015 PMID: 25741868, with internal and published modifications).

Literature cited by the submitters: PubMed 15776426 (cited by Mayo Clinic Laboratories, Mayo Clinic).